The following is an entry in ClinVar:

ClinVar aggregate classification (germline): Uncertain significance (1 of 4 stars; one submission).

Submission:

GeneDx
Classification: Uncertain significance. Last evaluated: 2024-02-26. Review status: criteria provided, single submitter. Criteria: GeneDx Variant Classification Process June 2021. Collection method: clinical testing. Allele origin: germline. Affected: yes.
Comment: Not observed at significant frequency in large population cohorts (gnomAD); In silico analysis supports that this missense variant has a deleterious effect on protein structure/function; Has not been previously published as pathogenic or benign to our knowledge

NM_145331.3(MAP3K7):c.811C>G (p.Pro271Ala)

Gene: MAP3K7 (mitogen-activated protein kinase kinase kinase 7; minus strand). Cytogenetic location: 6q15.
Variant type: single nucleotide variant.
Coding change: c.811C>G on transcript NM_145331.3 (MANE Select); coding-DNA position 811, C replaced by G.
Protein change: p.Pro271Ala; replaces proline 271 with alanine.
Molecular consequence: missense variant.
Genome position (GRCh38, 1-based): chr6:90,552,105, G>C on the plus strand (C>G on the coding strand, the complement: MAP3K7 is on the minus strand). VCF-style: chr6-90552105-G-C. GRCh37 (hg19) VCF-style: chr6-91261824-G-C.
Other names: c.811C>G, p.Pro271Ala (NM_003188.4, NM_145332.3, NM_145333.3); short protein forms P271A.
Identifiers: ClinVar variation 3369873 (VCV003369873.1).
Genomic context (GRCh38, chr6:90,552,105, plus strand): 5'-ATACCCGCATCAAGTGAGTCATTATTTTCACAATTTCCTCCATTGAAGGGCGCTGGGAAG[G>C]ATCTTTAGACCAACAACGAGTCATCAGGCTCTCAATGGGCTTAGGTAAATTTTTTATCAG-3'
Protein context (NP_663304.1, residues 261-281): SLMTRCWSKD[Pro271Ala]SQRPSMEEIV